The following is an entry in ClinVar:

ClinVar aggregate classification (germline): Uncertain significance (1 of 4 stars; one submission).

Allele frequency attached by ClinVar (database versions not stated): TOPMed below 0.00001; gnomAD exomes 0.00001; gnomAD 0.00002; ExAC 0.00005.
gnomAD v4.1: 24 of 1,581,430 alleles (0.0015%); highest among the groups gnomAD compares: South Asian, 0.0047%; no homozygotes.

Submission:

Labcorp Genetics (formerly Invitae), Labcorp
Classification: Uncertain significance. Last evaluated: 2022-08-19. Review status: criteria provided, single submitter. Criteria: Invitae Variant Classification Sherloc (09022015). Collection method: clinical testing. Allele origin: germline.
Comment: This sequence change replaces asparagine, which is neutral and polar, with serine, which is neutral and polar, at codon 131 of the REL protein (p.Asn131Ser). This variant is present in population databases (rs758702004, gnomAD 0.01%). This variant has not been reported in the literature in individuals affected with REL-related conditions. Algorithms developed to predict the effect of missense changes on protein structure and function output the following: SIFT: "Tolerated"; PolyPhen-2: "Benign"; Align-GVGD: "Class C0". The serine amino acid residue is found in multiple mammalian species, which suggests that this missense change does not adversely affect protein function. In summary, the available evidence is currently insufficient to determine the role of this variant in disease. Therefore, it has been classified as a Variant of Uncertain Significance.

NM_001291746.2(REL):c.392A>G (p.Asn131Ser)

Gene: REL (REL proto-oncogene, NF-kB subunit; plus strand). Cytogenetic location: 2p16.1.
Variant type: single nucleotide variant.
Coding change: c.392A>G on transcript NM_001291746.2 (MANE Select); coding-DNA position 392, A replaced by G.
Protein change: p.Asn131Ser; replaces asparagine 131 with serine.
Molecular consequence: missense variant.
Genome position (GRCh38, 1-based): chr2:60,901,081, A>G. VCF-style: chr2-60901081-A-G. GRCh37 (hg19) VCF-style: chr2-61128216-A-G.
Other names: c.392A>G, p.Asn131Ser (NM_002908.4); short protein forms N131S.
Identifiers: ClinVar variation 1975311 (VCV001975311.2), dbSNP rs758702004, ClinGen allele CA1672194.
Genomic context (GRCh38, chr2:60,901,081, plus strand): 5'-AGAAAAAAGAAGTAAAAGAAGCTATTATTACAAGAATAAAGGCAGGAATCAATCCATTCA[A>G]TGGTAAGTATGTTTGATAAAATCATTTCTATTTATTTGGGTGTTGATTTCTGTTTCTTTT-3'
Protein context (NP_001278675.1, residues 121-141): TRIKAGINPF[Asn131Ser]VPEKQLNDIE